The following is an entry in ClinVar:

NM_014476.6(PDLIM3):c.938G>A (p.Arg313Gln)

Gene: PDLIM3 (PDZ and LIM domain 3; minus strand). Cytogenetic location: 4q35.1.
Variant type: single nucleotide variant.
Coding change: c.938G>A on transcript NM_014476.6 (MANE Select); coding-DNA position 938, G replaced by A.
Protein change: p.Arg313Gln; replaces arginine 313 with glutamine.
Molecular consequence: missense variant. On other transcripts: non-coding transcript variant (1).
Genome position (GRCh38, 1-based): chr4:185,502,451, C>T on the plus strand (G>A on the coding strand, the complement: PDLIM3 is on the minus strand). VCF-style: chr4-185502451-C-T. GRCh37 (hg19) VCF-style: chr4-186423605-C-T.
Other names: c.794G>A, p.Arg265Gln (NM_001114107.5); c.674G>A, p.Arg225Gln (NM_001257962.2); c.437G>A, p.Arg146Gln (NM_001257963.2); c.938G>A (NM_014476.4); short protein forms R313Q, R225Q, R265Q, R146Q.
Identifiers: ClinVar variation 577170 (VCV000577170.10), dbSNP rs755255012, ClinGen allele CA3159630.

ClinVar aggregate classification (germline): Uncertain significance. Review status: criteria provided, multiple submitters, no conflicts (2 of 4 stars). 2 submissions from 2 submitters: Uncertain significance (2). Last evaluated 2024-10-05.

Conditions:
Primary dilated cardiomyopathy (DCM). Also called: Dilated Cardiomyopathy. Identifiers: Orphanet 217604, MedGen C0007193, MeSH D002311, MONDO:0005021, HP:0001644. Inheritance: Various modes of inheritance.
Hypertrophic cardiomyopathy. Also called: HYPERTROPHIC MYOCARDIOPATHY. Identifiers: Orphanet 217569, MedGen C0007194, MeSH D002312, MONDO:0005045, HP:0001639.

Allele frequency attached by ClinVar (database versions not stated): gnomAD 0.00002; gnomAD exomes 0.00001; TOPMed 0.00001; ExAC 0.00002.
gnomAD v4.1: 15 of 1,614,034 alleles (0.00093%); highest among the groups gnomAD compares: Admixed American, 0.0033%; no homozygotes.

Submissions (2):

Labcorp Genetics (formerly Invitae), Labcorp
Classification: Uncertain significance for Hypertrophic cardiomyopathy; Primary dilated cardiomyopathy. Last evaluated: 2024-10-05. Review status: criteria provided, single submitter. Criteria: Invitae Variant Classification Sherloc (09022015). Collection method: clinical testing. Allele origin: germline.
Comment: This sequence change replaces arginine, which is basic and polar, with glutamine, which is neutral and polar, at codon 313 of the PDLIM3 protein (p.Arg313Gln). The frequency data for this variant in the population databases is considered unreliable, as metrics indicate poor data quality at this position in the gnomAD database. This variant has not been reported in the literature in individuals affected with PDLIM3-related conditions. ClinVar contains an entry for this variant (Variation ID: 577170). Invitae Evidence Modeling of protein sequence and biophysical properties (such as structural, functional, and spatial information, amino acid conservation, physicochemical variation, residue mobility, and thermodynamic stability) indicates that this missense variant is expected to disrupt PDLIM3 protein function with a positive predictive value of 80%. In summary, the available evidence is currently insufficient to determine the role of this variant in disease. Therefore, it has been classified as a Variant of Uncertain Significance.

Ambry Genetics
Classification: Uncertain significance. Last evaluated: 2024-03-04. Review status: criteria provided, single submitter. Criteria: Ambry Variant Classification Scheme 2023. Collection method: clinical testing. Allele origin: germline.
Comment: The p.R313Q variant (also known as c.938G>A), located in coding exon 8 of the PDLIM3 gene, results from a G to A substitution at nucleotide position 938. The arginine at codon 313 is replaced by glutamine, an amino acid with highly similar properties. This amino acid position is conserved. In addition, this alteration is predicted to be deleterious by in silico analysis. Based on the available evidence, the clinical significance of this alteration remains unclear.